The following is an entry in ClinVar:

NM_000264.5(PTCH1):c.4006_4026del (p.Arg1336_Arg1342del)

Gene: PTCH1 (patched 1; minus strand). Cytogenetic location: 9q22.32.
Variant type: Deletion.
Coding change: c.4006_4026del on transcript NM_000264.5 (MANE Select); coding-DNA positions 4006 to 4026, 21 bases deleted (AGGGCCCGCTGGGGCCCTCGC).
Protein change: p.Arg1336_Arg1342del.
Molecular consequence: inframe deletion. On other transcripts: non-coding transcript variant (1).
Genome position (GRCh38, 1-based): chr9:95,447,230-95,447,250, GCGAGGGCCCCAGCGGGCCCT deleted on the plus strand (AGGGCCCGCTGGGGCCCTCGC on the coding strand, the reverse complement: PTCH1 is on the minus strand). VCF-style (leftmost placement, unchanged base first): chr9-95447229-CGCGAGGGCCCCAGCGGGCCCT-C. GRCh37 (hg19) VCF-style: chr9-98209511-CGCGAGGGCCCCAGCGGGCCCT-C.
Other names: c.3808_3828del, p.Arg1270_Arg1276del (NM_001083602.3); c.4003_4023del, p.Arg1335_Arg1341del (NM_001083603.3); c.3553_3573del, p.Arg1185_Arg1191del (NM_001083604.3, NM_001083605.3, NM_001083606.3 and 1 more transcripts); c.3850_3870del, p.Arg1284_Arg1290del (NM_001354918.2).
Identifiers: ClinVar variation 1973304 (VCV001973304.5), dbSNP rs2537999518, ClinGen allele CA2580080723.

ClinVar aggregate classification (germline): Uncertain significance (1 of 4 stars; one submission).

Conditions:
Gorlin syndrome. Also called: Nevoid Basal Cell Carcinoma Syndrome; Basal cell nevus syndrome. Identifiers: Orphanet 377, MedGen C0004779, MONDO:0007187.

Submission:

Labcorp Genetics (formerly Invitae), Labcorp
Classification: Uncertain significance for Gorlin syndrome. Last evaluated: 2022-07-22. Review status: criteria provided, single submitter. Criteria: Invitae Variant Classification Sherloc (09022015). Collection method: clinical testing. Allele origin: germline.
Comment: In summary, the available evidence is currently insufficient to determine the role of this variant in disease. Therefore, it has been classified as a Variant of Uncertain Significance. Experimental studies and prediction algorithms are not available or were not evaluated, and the functional significance of this variant is currently unknown. This variant has not been reported in the literature in individuals affected with PTCH1-related conditions. This variant is not present in population databases (gnomAD no frequency). This variant, c.4006_4026del, results in the deletion of 7 amino acid(s) of the PTCH1 protein (p.Arg1336_Arg1342del), but otherwise preserves the integrity of the reading frame.